The following is an entry in ClinVar:

NM_004336.5(BUB1):c.1307G>A (p.Ser436Asn)

Gene: BUB1 (BUB1 mitotic checkpoint serine/threonine kinase; minus strand). Cytogenetic location: 2q13.
Variant type: single nucleotide variant.
Coding change: c.1307G>A on transcript NM_004336.5 (MANE Select); coding-DNA position 1307, G replaced by A.
Protein change: p.Ser436Asn; replaces serine 436 with asparagine.
Molecular consequence: missense variant.
Genome position (GRCh38, 1-based): chr2:110,658,712, C>T on the plus strand (G>A on the coding strand, the complement: BUB1 is on the minus strand). VCF-style: chr2-110658712-C-T. GRCh37 (hg19) VCF-style: chr2-111416289-C-T.
Other names: c.1247G>A, p.Ser416Asn (NM_001278616.2); c.1307G>A, p.Ser436Asn (NM_001278617.2); short protein forms S436N, S416N.
Identifiers: ClinVar variation 2397802 (VCV002397802.2), dbSNP rs773216014, ClinGen allele CA1828107.

ClinVar aggregate classification (germline): Uncertain significance (1 of 4 stars; one submission).

Allele frequency attached by ClinVar (database versions not stated): gnomAD exomes 0.00001; ExAC 0.00002.

Submission:

Ambry Genetics
Classification: Uncertain significance. Last evaluated: 2023-08-25. Review status: criteria provided, single submitter. Criteria: Ambry Variant Classification Scheme 2023. Collection method: clinical testing. Allele origin: germline.
Comment: The p.S436N variant (also known as c.1307G>A), located in coding exon 12 of the BUB1 gene, results from a G to A substitution at nucleotide position 1307. The serine at codon 436 is replaced by asparagine, an amino acid with highly similar properties. This amino acid position is conserved. In addition, this alteration is predicted to be tolerated by in silico analysis. Since supporting evidence is limited at this time, the clinical significance of this alteration remains unclear.